The following is an entry in ClinVar:

ClinVar aggregate classification (germline): Benign (1 of 4 stars; one submission).

Allele frequency attached by ClinVar (database versions not stated): 1000 Genomes Project 0.00100; 1000 Genomes Project 30x 0.00141; TOPMed 0.00678; gnomAD 0.00701.
gnomAD v4.1: 1,055 of 152,356 alleles (0.69%); highest among the groups gnomAD compares: Non-Finnish European, 1.3%; 7 homozygotes.

Submission:

CeGaT Center for Human Genetics Tuebingen
Classification: Benign. Last evaluated: 2023-10-01. Review status: criteria provided, single submitter. Criteria: CeGaT Center For Human Genetics Tuebingen Variant Classification Criteria Version 2. Collection method: clinical testing. Allele origin: germline. Affected: yes. Observed: 1 variant allele.
Comment: CASC11: BS1, BS2; MYC: BS1, BS2

NM_002467.6(MYC):c.30+600C>T

Gene: MYC (MYC proto-oncogene, bHLH transcription factor; plus strand). Cytogenetic location: 8q24.21.
Variant type: single nucleotide variant.
Coding change: c.30+600C>T on transcript NM_002467.6 (MANE Select); 600 bases into the intron after coding-DNA position 30, C replaced by T.
Molecular consequence: intron variant.
Genome position (GRCh38, 1-based): chr8:127,737,223, C>T. VCF-style: chr8-127737223-C-T. GRCh37 (hg19) VCF-style: chr8-128749469-C-T.
Other names: c.30+600C>T (NM_001354870.1).
Identifiers: ClinVar variation 2658813 (VCV002658813.24), dbSNP rs4645953, ClinGen allele CA185776893.